The following is an entry in ClinVar:

NM_004174.4(SLC9A3):c.741C>T (p.Cys247=)

Gene: SLC9A3 (solute carrier family 9 member A3). Cytogenetic location: 5p15.33.
Variant type: single nucleotide variant.
Coding change: c.741C>T on transcript NM_004174.4 (MANE Select); coding-DNA position 741, C replaced by T.
Protein change: p.Cys247=; no amino-acid change (cysteine 247 retained).
Molecular consequence: synonymous variant.
Genome position (GRCh38, 1-based): chr5:485,166, G>A on the plus strand (C>T on the coding strand, the complement: SLC9A3 is on the minus strand). VCF-style: chr5-485166-G-A. GRCh37 (hg19) VCF-style: chr5-485281-G-A.
Other names: c.741C>T, p.Cys247= (NM_001284351.3).
Identifiers: ClinVar variation 780939 (VCV000780939.13), dbSNP rs114326443, ClinGen allele CA3176221.

ClinVar aggregate classification (germline): Benign/Likely benign. Review status: criteria provided, multiple submitters, no conflicts (2 of 4 stars). 3 submissions from 3 submitters: Benign (1); Likely benign (1). 1 of the submissions does not count toward it. Last evaluated 2026-01-26.

Conditions:
SLC9A3-related disorder. Also called: SLC9A3-related condition.

Allele frequency attached by ClinVar (database versions not stated): gnomAD exomes 0.00123; ExAC 0.00150; gnomAD 0.00438 and 0.00469; ESP Exome Variant Server 0.00454; 1000 Genomes Project 0.00499; TOPMed 0.00499; 1000 Genomes Project 30x 0.00531.
gnomAD v4.1: 1,332 of 1,613,162 alleles (0.083%); highest among the groups gnomAD compares: African/African-American, 1.4%; 5 homozygotes.

Submissions (3):

Labcorp Genetics (formerly Invitae), Labcorp
Classification: Benign. Last evaluated: 2026-01-26. Review status: criteria provided, single submitter. Criteria: Invitae Variant Classification Sherloc (09022015). Collection method: clinical testing. Allele origin: germline.

Blueprint Genetics
Classification: Likely benign. Last evaluated: 2024-11-13. Review status: criteria provided, single submitter. Criteria: ACMG Guidelines, 2015. Collection method: clinical testing. Allele origin: germline.

PreventionGenetics, part of Exact Sciences
Classification: Benign for SLC9A3-related condition. Last evaluated: 2019-08-27. Review status: no assertion criteria provided. Collection method: clinical testing. Allele origin: germline. Not counted in ClinVar's aggregate classification.
Comment: This variant is classified as benign based on ACMG/AMP sequence variant interpretation guidelines (Richards et al. 2015 PMID: 25741868, with internal and published modifications).